The following is an entry in ClinVar:

NM_001363118.2(SLC52A2):c.790C>T (p.Pro264Ser)

Gene: SLC52A2 (solute carrier family 52 member 2; plus strand). Cytogenetic location: 8q24.3.
Variant type: single nucleotide variant.
Coding change: c.790C>T on transcript NM_001363118.2 (MANE Select); coding-DNA position 790, C replaced by T.
Protein change: p.Pro264Ser; replaces proline 264 with serine.
Molecular consequence: missense variant. On other transcripts: non-coding transcript variant (1).
Genome position (GRCh38, 1-based): chr8:144,360,282, C>T. VCF-style: chr8-144360282-C-T. GRCh37 (hg19) VCF-style: chr8-145583942-C-T.
Other names: c.790C>T, p.Pro264Ser (NM_001253815.2, NM_001253816.2, NM_001363120.2 and 2 more transcripts); c.298C>T, p.Pro100Ser (NM_001363122.2); short protein forms P264S, P100S.
Identifiers: ClinVar variation 848234 (VCV000848234.7), dbSNP rs1554854209, ClinGen allele CA372627926.

ClinVar aggregate classification (germline): Uncertain significance (1 of 4 stars; one submission).

Conditions:
Brown-Vialetto-van Laere syndrome 2. Also called: SPINOCEREBELLAR ATAXIA WITH BLINDNESS AND DEAFNESS 2; Riboflavin transporter deficiency type 2. Identifiers: Orphanet 572543, Orphanet 97229, MedGen C3553538, MONDO:0013867, OMIM 614707.

Submission:

Labcorp Genetics (formerly Invitae), Labcorp
Classification: Uncertain significance for Brown-Vialetto-van Laere syndrome 2. Last evaluated: 2019-03-12. Review status: criteria provided, single submitter. Criteria: Invitae Variant Classification Sherloc (09022015). Collection method: clinical testing. Allele origin: germline.
Comment: In summary, the available evidence is currently insufficient to determine the role of this variant in disease. Therefore, it has been classified as a Variant of Uncertain Significance. Algorithms developed to predict the effect of missense changes on protein structure and function output the following: SIFT: "Tolerated"; PolyPhen-2: "Benign"; Align-GVGD: "Class C0". The serine amino acid residue is found in multiple mammalian species, suggesting that this missense change does not adversely affect protein function. These predictions have not been confirmed by published functional studies and their clinical significance is uncertain. This variant has not been reported in the literature in individuals with SLC52A2-related conditions. This variant is not present in population databases (ExAC no frequency). This sequence change replaces proline with serine at codon 264 of the SLC52A2 protein (p.Pro264Ser). The proline residue is moderately conserved and there is a moderate physicochemical difference between proline and serine.